The following is an entry in ClinVar:

NM_002024.6(FMR1):c.-102C>A

Genes: FMR1 (fragile X messenger ribonucleoprotein 1; plus strand), FRAXA (fragile site, folic acid type, rare, fra(X)(q27.3) A; plus strand), LOC107032825 (origin of replication in 5' region of FMR1; plus strand), LOC129929053 (ATAC-STARR-seq lymphoblastoid silent region 21039; plus strand). Cytogenetic location: Xq27.3.
Variant type: single nucleotide variant.
Coding change: c.-102C>A on transcript NM_002024.6 (MANE Select); 102 bases upstream of the start codon, C replaced by A.
Molecular consequence: 5 prime UTR variant. On other transcripts: non-coding transcript variant (2).
Genome position (GRCh38, 1-based): chrX:147,912,078, C>A. VCF-style: chrX-147912078-C-A. GRCh37 (hg19) VCF-style: chrX-146993596-C-A.
Other names: c.-102C>A (NM_001185075.2, NM_001185076.2, NM_001185081.2 and 1 more transcripts).
Identifiers: ClinVar variation 2661590 (VCV002661590.22), dbSNP rs868951150, ClinGen allele CA519047068.

ClinVar aggregate classification (germline): Likely benign (1 of 4 stars; one submission).

Allele frequency attached by ClinVar (database versions not stated): gnomAD 0.00213.

Submission:

CeGaT Center for Human Genetics Tuebingen
Classification: Likely benign. Last evaluated: 2024-09-01. Review status: criteria provided, single submitter. Criteria: CeGaT Center For Human Genetics Tuebingen Variant Classification Criteria Version 2. Collection method: clinical testing. Allele origin: germline. Affected: yes. Observed: 17 variant alleles.
Comment: FMR1: BS2